The following is an entry in ClinVar:

NM_000338.3(SLC12A1):c.2221A>T (p.Lys741Ter)

Gene: SLC12A1 (solute carrier family 12 member 1; plus strand). Cytogenetic location: 15q21.1.
Variant type: single nucleotide variant.
Coding change: c.2221A>T on transcript NM_000338.3 (MANE Select); coding-DNA position 2221, A replaced by T.
Protein change: p.Lys741Ter; replaces lysine 741 with a stop codon.
Molecular consequence: nonsense.
Genome position (GRCh38, 1-based): chr15:48,267,627, A>T. VCF-style: chr15-48267627-A-T. GRCh37 (hg19) VCF-style: chr15-48559824-A-T.
Other names: c.2221A>T, p.Lys741Ter (NM_001184832.2, NM_001384136.1); short protein forms K741*.
Identifiers: ClinVar variation 2884058 (VCV002884058.3), dbSNP rs2505137296, ClinGen allele CA392315126.

ClinVar aggregate classification (germline): Pathogenic (1 of 4 stars; one submission).

Submission:

Labcorp Genetics (formerly Invitae), Labcorp
Classification: Pathogenic. Last evaluated: 2023-03-14. Review status: criteria provided, single submitter. Criteria: Invitae Variant Classification Sherloc (09022015). Collection method: clinical testing. Allele origin: germline.
Comment: This variant is not present in population databases (gnomAD no frequency). This sequence change creates a premature translational stop signal (p.Lys741*) in the SLC12A1 gene. It is expected to result in an absent or disrupted protein product. Loss-of-function variants in SLC12A1 are known to be pathogenic (PMID: 8640224, 9585600, 19096086). This premature translational stop signal has been observed in individual(s) with Bartter syndrome (PMID: 30790175). For these reasons, this variant has been classified as Pathogenic.

Literature cited by the submitters: PubMed 8640224; PubMed 9585600; PubMed 19096086; PubMed 30790175.